The following is an entry in ClinVar:

NM_001388492.1(HTT):c.6040C>T (p.Arg2014Cys)

Gene: HTT (huntingtin; plus strand). Cytogenetic location: 4p16.3.
Variant type: single nucleotide variant.
Coding change: c.6040C>T on transcript NM_001388492.1 (MANE Select); coding-DNA position 6040, C replaced by T.
Protein change: p.Arg2014Cys; replaces arginine 2014 with cysteine.
Molecular consequence: missense variant.
Genome position (GRCh38, 1-based): chr4:3,206,948, C>T. VCF-style: chr4-3206948-C-T. GRCh37 (hg19) VCF-style: chr4-3208675-C-T.
Other names: c.6046C>T, p.Arg2016Cys (NM_002111.8); short protein forms R2014C, R2016C.
Identifiers: ClinVar variation 1385406 (VCV001385406.6), dbSNP rs566885635, ClinGen allele CA2824884.

ClinVar aggregate classification (germline): Uncertain significance (1 of 4 stars; one submission).

Allele frequency attached by ClinVar (database versions not stated): gnomAD exomes below 0.00001 and 0.00001; ExAC 0.00001; gnomAD 0.00001; TOPMed 0.00001; 1000 Genomes Project 30x 0.00016; 1000 Genomes Project 0.00020.
gnomAD v4.1: 19 of 1,613,070 alleles (0.0012%); highest among the groups gnomAD compares: Admixed American, 0.022%; no homozygotes.

Submission:

Labcorp Genetics (formerly Invitae), Labcorp
Classification: Uncertain significance. Last evaluated: 2024-02-16. Review status: criteria provided, single submitter. Criteria: Invitae Variant Classification Sherloc (09022015). Collection method: clinical testing. Allele origin: germline.
Comment: This sequence change replaces arginine, which is basic and polar, with cysteine, which is neutral and slightly polar, at codon 2016 of the HTT protein (p.Arg2016Cys). This variant is present in population databases (rs566885635, gnomAD 0.006%). This variant has not been reported in the literature in individuals affected with HTT-related conditions. ClinVar contains an entry for this variant (Variation ID: 1385406). Experimental studies and prediction algorithms are not available or were not evaluated, and the functional significance of this variant is currently unknown. In summary, the available evidence is currently insufficient to determine the role of this variant in disease. Therefore, it has been classified as a Variant of Uncertain Significance.